The following is an entry in ClinVar:

NM_001440.4(EXTL3):c.257G>A (p.Arg86Gln)

Gene: EXTL3 (exostosin like glycosyltransferase 3; plus strand). Cytogenetic location: 8p21.1.
Variant type: single nucleotide variant.
Coding change: c.257G>A on transcript NM_001440.4 (MANE Select); coding-DNA position 257, G replaced by A.
Protein change: p.Arg86Gln; replaces arginine 86 with glutamine.
Molecular consequence: missense variant.
Genome position (GRCh38, 1-based): chr8:28,716,316, G>A. VCF-style: chr8-28716316-G-A. GRCh37 (hg19) VCF-style: chr8-28573833-G-A.
Other names: c.257G>A (NM_001440.2); short protein forms R86Q.
Identifiers: ClinVar variation 1505971 (VCV001505971.9), dbSNP rs1801145750, ClinGen allele CA370853795.

ClinVar aggregate classification (germline): Uncertain significance. Review status: criteria provided, multiple submitters, no conflicts (2 of 4 stars). 2 submissions from 2 submitters: Uncertain significance (2). Last evaluated 2021-06-29.

Conditions:
Inborn genetic diseases. Identifiers: MedGen C0950123, MeSH D030342.

Allele frequency attached by ClinVar (database versions not stated): gnomAD 0.00001; TOPMed 0.00001.
gnomAD v4.1: 1 of 1,614,064 alleles (0.000062%); highest among the groups gnomAD compares: Non-Finnish European, 0.000085%; no homozygotes.

Submissions (2):

Ambry Genetics
Classification: Uncertain significance for Inborn genetic diseases. Last evaluated: 2021-06-29. Review status: criteria provided, single submitter. Criteria: Ambry Variant Classification Scheme 2023. Collection method: clinical testing. Allele origin: germline.

Labcorp Genetics (formerly Invitae), Labcorp
Classification: Uncertain significance. Last evaluated: 2020-12-18. Review status: criteria provided, single submitter. Criteria: Invitae Variant Classification Sherloc (09022015). Collection method: clinical testing. Allele origin: germline.
Comment: In summary, the available evidence is currently insufficient to determine the role of this variant in disease. Therefore, it has been classified as a Variant of Uncertain Significance. Algorithms developed to predict the effect of sequence changes on RNA splicing suggest that this variant may create or strengthen a splice site, but this prediction has not been confirmed by published transcriptional studies. Algorithms developed to predict the effect of missense changes on protein structure and function are either unavailable or do not agree on the potential impact of this missense change (SIFT: "Tolerated"; PolyPhen-2: "Possibly Damaging"; Align-GVGD: "Class C0"). This variant has not been reported in the literature in individuals with EXTL3-related conditions. This variant is not present in population databases (ExAC no frequency). This sequence change replaces arginine with glutamine at codon 86 of the EXTL3 protein (p.Arg86Gln). The arginine residue is moderately conserved and there is a small physicochemical difference between arginine and glutamine.